The following is an entry in ClinVar:

ClinVar aggregate classification (germline): Likely benign. Review status: criteria provided, multiple submitters, no conflicts (2 of 4 stars). 2 submissions from 2 submitters: Likely benign (2). Last evaluated 2025-08-07.

Allele frequency attached by ClinVar (database versions not stated): gnomAD exomes below 0.00001.
gnomAD v4.1: 1 of 1,612,730 alleles (0.000062%); highest among the groups gnomAD compares: Non-Finnish European, 0.000085%; no homozygotes.

Submissions (2):

Mayo Clinic Laboratories, Mayo Clinic
Classification: Likely benign. Last evaluated: 2025-08-07. Review status: criteria provided, single submitter. Criteria: ACMG Guidelines, 2015. Collection method: clinical testing. Allele origin: germline. Observed: 1 variant allele.
Comment: BP4, BP7

Labcorp Genetics (formerly Invitae), Labcorp
Classification: Likely benign. Last evaluated: 2023-05-23. Review status: criteria provided, single submitter. Criteria: Invitae Variant Classification Sherloc (09022015). Collection method: clinical testing. Allele origin: germline.

NM_006005.3(WFS1):c.2373C>T (p.Arg791=)

Gene: WFS1 (wolframin ER transmembrane glycoprotein; plus strand). Cytogenetic location: 4p16.1.
Variant type: single nucleotide variant.
Coding change: c.2373C>T on transcript NM_006005.3 (MANE Select); coding-DNA position 2373, C replaced by T.
Protein change: p.Arg791=; no amino-acid change (arginine 791 retained).
Molecular consequence: synonymous variant.
Genome position (GRCh38, 1-based): chr4:6,302,168, C>T. VCF-style: chr4-6302168-C-T. GRCh37 (hg19) VCF-style: chr4-6303895-C-T.
Other names: p.Arg791=; c.2373C>T, p.Arg791= (NM_001145853.1).
Identifiers: ClinVar variation 2144960 (VCV002144960.5), dbSNP rs2474197005, ClinGen allele CA438368279.